The following is an entry in ClinVar:

NM_175737.4(KLB):c.536T>C (p.Leu179Pro)

Gene: KLB (klotho beta; plus strand). Cytogenetic location: 4p14.
Variant type: single nucleotide variant.
Coding change: c.536T>C on transcript NM_175737.4 (MANE Select); coding-DNA position 536, T replaced by C.
Protein change: p.Leu179Pro; replaces leucine 179 with proline.
Molecular consequence: missense variant.
Genome position (GRCh38, 1-based): chr4:39,407,485, T>C. VCF-style: chr4-39407485-T-C. GRCh37 (hg19) VCF-style: chr4-39409105-T-C.
Other names: short protein forms L179P.
Identifiers: ClinVar variation 1931341 (VCV001931341.5), dbSNP rs1252152398, ClinGen allele CA356649310.

ClinVar aggregate classification (germline): Uncertain significance (1 of 4 stars; one submission).

Allele frequency attached by ClinVar (database versions not stated): gnomAD exomes below 0.00001.
gnomAD v4.1: 1 of 1,614,230 alleles (0.000062%); highest among the groups gnomAD compares: Non-Finnish European, 0.000085%; no homozygotes.

Submission:

Labcorp Genetics (formerly Invitae), Labcorp
Classification: Uncertain significance. Last evaluated: 2025-07-07. Review status: criteria provided, single submitter. Criteria: Invitae Variant Classification Sherloc (09022015). Collection method: clinical testing. Allele origin: germline.
Comment: This sequence change replaces leucine, which is neutral and non-polar, with proline, which is neutral and non-polar, at codon 179 of the KLB protein (p.Leu179Pro). This variant is present in population databases (no rsID available, gnomAD 0.0009%). This variant has not been reported in the literature in individuals affected with KLB-related conditions. ClinVar contains an entry for this variant (Variation ID: 1931341). Invitae Evidence Modeling of protein sequence and biophysical properties (such as structural, functional, and spatial information, amino acid conservation, physicochemical variation, residue mobility, and thermodynamic stability) indicates that this missense variant is not expected to disrupt KLB protein function with a negative predictive value of 80%. In summary, the available evidence is currently insufficient to determine the role of this variant in disease. Therefore, it has been classified as a Variant of Uncertain Significance.